The following is an entry in ClinVar:

NM_001022.3(RPS19):c.-274T>C

Gene: RPS19 (ribosomal protein S19; plus strand). Cytogenetic location: 19q13.2.
Variant type: single nucleotide variant.
Coding change: c.-274T>C on transcript NM_001022.3; 274 bases upstream of the start codon, T replaced by C.
Genome position (GRCh38, 1-based): chr19:41,860,016, T>C. VCF-style: chr19-41860016-T-C. GRCh37 (hg19) VCF-style: chr19-42364086-T-C.
Identifiers: ClinVar variation 329381 (VCV000329381.7), dbSNP rs77406992, ClinGen allele CA10652490.

ClinVar aggregate classification (germline): Benign (1 of 4 stars; one submission).

Conditions:
Diamond-Blackfan anemia 1 (DBA1). Also called: RPS19-Related Diamond-Blackfan Anemia; BLACKFAN-DIAMOND SYNDROME; ANEMIA, CONGENITAL HYPOPLASTIC, OF BLACKFAN AND DIAMOND; ANEMIA, CONGENITAL ERYTHROID HYPOPLASTIC; RED CELL APLASIA, PURE, HEREDITARY; AREGENERATIVE ANEMIA, CHRONIC CONGENITAL. Identifiers: Orphanet 124, MedGen C2676137, MONDO:0007110, OMIM 105650.

Allele frequency attached by ClinVar (database versions not stated): TOPMed 0.00137; gnomAD 0.00036 and 0.00052; 1000 Genomes Project 0.00280; 1000 Genomes Project 30x 0.00297.

Submission:

Illumina Laboratory Services, Illumina
Classification: Benign for Diamond-Blackfan anemia 1. Last evaluated: 2018-01-12. Review status: criteria provided, single submitter. Criteria: ICSL Variant Classification Criteria 13 December 2019. Collection method: clinical testing. Allele origin: germline.
Comment: This variant was observed in the ICSL laboratory as part of a predisposition screen in an ostensibly healthy population. It had not been previously curated by ICSL or reported in the Human Gene Mutation Database (HGMD: prior to June 1st, 2018), and was therefore a candidate for classification through an automated scoring system. Utilizing variant allele frequency, disease prevalence and penetrance estimates, and inheritance mode, an automated score was calculated to assess if this variant is too frequent to cause the disease. Based on the score and internal cut-off values, a variant classified as benign is not then subjected to further curation. The score for this variant resulted in a classification of benign for this disease.